The following is an entry in ClinVar:

NM_000256.3(MYBPC3):c.653del (p.Lys218fs)

Gene: MYBPC3 (myosin binding protein C3; minus strand). Cytogenetic location: 11p11.2.
Variant type: Deletion.
Coding change: c.653del on transcript NM_000256.3 (MANE Select); coding-DNA position 653, one base deleted (A; older notation c.653delA).
Protein change: p.Lys218fs; shifts the reading frame from lysine 218.
Molecular consequence: frameshift variant.
Genome position (GRCh38, 1-based): chr11:47,349,775, T deleted on the plus strand (A on the coding strand, the reverse complement: MYBPC3 is on the minus strand); the first of 2 consecutive T bases (chr11:47,349,775-47,349,776); deleting either gives the same sequence. VCF-style (leftmost placement, unchanged base first): chr11-47349774-CT-C. GRCh37 (hg19) VCF-style: chr11-47371325-CT-C.
Other names: short protein forms K218fs.
Identifiers: ClinVar variation 2825005 (VCV002825005.3), dbSNP rs2495780121, ClinGen allele CA2739270432.

ClinVar aggregate classification (germline): Pathogenic (1 of 4 stars; one submission).

Conditions:
Hypertrophic cardiomyopathy. Also called: HYPERTROPHIC MYOCARDIOPATHY. Identifiers: Orphanet 217569, MedGen C0007194, MeSH D002312, MONDO:0005045, HP:0001639.

Submission:

Labcorp Genetics (formerly Invitae), Labcorp
Classification: Pathogenic for Hypertrophic cardiomyopathy. Last evaluated: 2023-04-22. Review status: criteria provided, single submitter. Criteria: Invitae Variant Classification Sherloc (09022015). Collection method: clinical testing. Allele origin: germline.
Comment: For these reasons, this variant has been classified as Pathogenic. This variant has not been reported in the literature in individuals affected with MYBPC3-related conditions. This variant is not present in population databases (gnomAD no frequency). This sequence change creates a premature translational stop signal (p.Lys218Argfs*82) in the MYBPC3 gene. It is expected to result in an absent or disrupted protein product. Loss-of-function variants in MYBPC3 are known to be pathogenic (PMID: 19574547).

Literature cited by the submitters: PubMed 19574547.